The following is an entry in ClinVar:

NM_001286577.2(C2CD3):c.2705C>A (p.Pro902His)

Gene: C2CD3 (C2 domain containing 3 centriole elongation regulator; minus strand). Cytogenetic location: 11q13.4.
Variant type: single nucleotide variant.
Coding change: c.2705C>A on transcript NM_001286577.2 (MANE Select); coding-DNA position 2705, C replaced by A.
Protein change: p.Pro902His; replaces proline 902 with histidine.
Molecular consequence: missense variant.
Genome position (GRCh38, 1-based): chr11:74,100,552, G>T on the plus strand (C>A on the coding strand, the complement: C2CD3 is on the minus strand). VCF-style: chr11-74100552-G-T. GRCh37 (hg19) VCF-style: chr11-73811597-G-T.
Other names: c.2705C>A, p.Pro902His (NM_015531.6); c.2705C>A (NM_015531.4); short protein forms P902H.
Identifiers: ClinVar variation 1908047 (VCV001908047.4), dbSNP rs747237481, ClinGen allele CA224516619.

ClinVar aggregate classification (germline): Uncertain significance. Review status: criteria provided, multiple submitters, no conflicts (2 of 4 stars). 2 submissions from 2 submitters: Uncertain significance (2). Last evaluated 2025-08-08.

Conditions:
Inborn genetic diseases. Identifiers: MedGen C0950123, MeSH D030342.

Allele frequency attached by ClinVar (database versions not stated): gnomAD 0.00001; TOPMed 0.00001.

Submissions (2):

Ambry Genetics
Classification: Uncertain significance for Inborn genetic diseases. Last evaluated: 2025-08-08. Review status: criteria provided, single submitter. Criteria: Ambry Variant Classification Scheme 2023. Collection method: clinical testing. Allele origin: germline.

Labcorp Genetics (formerly Invitae), Labcorp
Classification: Uncertain significance. Last evaluated: 2022-07-28. Review status: criteria provided, single submitter. Criteria: Invitae Variant Classification Sherloc (09022015). Collection method: clinical testing. Allele origin: germline.
Comment: This variant has not been reported in the literature in individuals affected with C2CD3-related conditions. In summary, the available evidence is currently insufficient to determine the role of this variant in disease. Therefore, it has been classified as a Variant of Uncertain Significance. Algorithms developed to predict the effect of missense changes on protein structure and function (SIFT, PolyPhen-2, Align-GVGD) all suggest that this variant is likely to be disruptive. This variant is not present in population databases (gnomAD no frequency). This sequence change replaces proline, which is neutral and non-polar, with histidine, which is basic and polar, at codon 902 of the C2CD3 protein (p.Pro902His).